The following is an entry in ClinVar:

NM_014991.6(WDFY3):c.8104G>A (p.Glu2702Lys)

Gene: WDFY3 (WD repeat and FYVE domain containing 3; minus strand). Cytogenetic location: 4q21.23.
Variant type: single nucleotide variant.
Coding change: c.8104G>A on transcript NM_014991.6 (MANE Select); coding-DNA position 8104, G replaced by A.
Protein change: p.Glu2702Lys; replaces glutamic acid 2702 with lysine.
Molecular consequence: missense variant.
Genome position (GRCh38, 1-based): chr4:84,709,022, C>T on the plus strand (G>A on the coding strand, the complement: WDFY3 is on the minus strand). VCF-style: chr4-84709022-C-T. GRCh37 (hg19) VCF-style: chr4-85630175-C-T.
Other names: short protein forms E2702K.
Identifiers: ClinVar variation 1313329 (VCV001313329.2), dbSNP rs2148986601, ClinGen allele CA357540397.

ClinVar aggregate classification (germline): Uncertain significance (1 of 4 stars; one submission).

Submission:

GeneDx
Classification: Uncertain significance. Last evaluated: 2020-10-22. Review status: criteria provided, single submitter. Criteria: GeneDx Variant Classification Process June 2021. Collection method: clinical testing. Allele origin: germline. Affected: yes.
Comment: Not observed in large population cohorts (Lek et al., 2016); In silico analysis supports that this missense variant has a deleterious effect on protein structure/function; Has not been previously published as pathogenic or benign to our knowledge; In silico analysis, which includes splice predictors and evolutionary conservation, suggests this variant may impact gene splicing. In the absence of RNA/functional studies, the actual effect of this sequence change is unknown.